The following is an entry in ClinVar:

ClinVar aggregate classification (germline): Benign. Review status: criteria provided, multiple submitters, no conflicts (2 of 4 stars). 2 submissions from 2 submitters: Benign (2). Last evaluated 2018-01-13.

Conditions:
Autosomal recessive limb-girdle muscular dystrophy type 2K. Also called: MUSCULAR DYSTROPHY-DYSTROGLYCANOPATHY (LIMB-GIRDLE), TYPE C, 1; MUSCULAR DYSTROPHY, LIMB-GIRDLE, TYPE 2K. Identifiers: Orphanet 86812, MedGen C1836373, MONDO:0012248, OMIM 609308.

Allele frequency attached by ClinVar (database versions not stated): 1000 Genomes Project 0.06130; 1000 Genomes Project 30x 0.06496; TOPMed 0.09853; gnomAD 0.11219 and 0.11588; gnomAD exomes 0.12526.
gnomAD v4.1: 34,436 of 290,222 alleles (12%); highest among the groups gnomAD compares: Non-Finnish European, 15%; 2,480 homozygotes.

Submissions (2):

Illumina Laboratory Services, Illumina
Classification: Benign for Autosomal recessive limb-girdle muscular dystrophy type 2K. Last evaluated: 2018-01-13. Review status: criteria provided, single submitter. Criteria: ICSL Variant Classification Criteria 13 December 2019. Collection method: clinical testing. Allele origin: germline.
Comment: This variant was observed in the ICSL laboratory as part of a predisposition screen in an ostensibly healthy population. It had not been previously curated by ICSL or reported in the Human Gene Mutation Database (HGMD: prior to June 1st, 2018), and was therefore a candidate for classification through an automated scoring system. Utilizing variant allele frequency, disease prevalence and penetrance estimates, and inheritance mode, an automated score was calculated to assess if this variant is too frequent to cause the disease. Based on the score and internal cut-off values, a variant classified as benign is not then subjected to further curation. The score for this variant resulted in a classification of benign for this disease.

Breakthrough Genomics
Classification: Benign. Review status: criteria provided, single submitter. Criteria: ACMG Guidelines, 2015. Collection method: not provided. Allele origin: germline. Inheritance: Autosomal recessive inheritance. Affected: yes.

NM_001077365.2(POMT1):c.*421G>A

Gene: POMT1 (protein O-mannosyltransferase 1; plus strand). Cytogenetic location: 9q34.13.
Variant type: single nucleotide variant.
Coding change: c.*421G>A on transcript NM_001077365.2 (MANE Select); 421 bases downstream of the stop codon, G replaced by A.
Molecular consequence: 3 prime UTR variant. On other transcripts: non-coding transcript variant (10).
Genome position (GRCh38, 1-based): chr9:131,523,527, G>A. VCF-style: chr9-131523527-G-A. GRCh37 (hg19) VCF-style: chr9-134398914-G-A.
Other names: c.*421G>A (NM_001077366.2, NM_001136113.2, NM_001136114.2 and 15 more transcripts).
Identifiers: ClinVar variation 365294 (VCV000365294.6), dbSNP rs10257, ClinGen allele CA10626605.